The following is an entry in ClinVar:

ClinVar aggregate classification (germline): Uncertain significance (1 of 4 stars; one submission).

Conditions:
Joubert syndrome. Also called: JOUBERT-BOLTSHAUSER SYNDROME; Familial aplasia of the vermis. Identifiers: Orphanet 475, MedGen C5979921, MONDO:0018772.
Meckel-Gruber syndrome. Also called: DYSENCEPHALIA SPLANCHNOCYSTICA; GRUBER SYNDROME; Dysencephalia splachnocystica. Identifiers: Orphanet 564, MedGen C0265215, MONDO:0018921.

gnomAD v4.1: 2 of 1,552,358 alleles (0.00013%); highest among the groups gnomAD compares: Admixed American, 0.002%; no homozygotes.

Submission:

Labcorp Genetics (formerly Invitae), Labcorp
Classification: Uncertain significance for Joubert syndrome; Meckel-Gruber syndrome. Last evaluated: 2022-05-13. Review status: criteria provided, single submitter. Criteria: Invitae Variant Classification Sherloc (09022015). Collection method: clinical testing. Allele origin: germline.
Comment: This sequence change replaces lysine, which is basic and polar, with arginine, which is basic and polar, at codon 40 of the CC2D2A protein (p.Lys40Arg). This variant is present in population databases (no rsID available, gnomAD 0.004%). This variant has not been reported in the literature in individuals affected with CC2D2A-related conditions. Advanced modeling of protein sequence and biophysical properties (such as structural, functional, and spatial information, amino acid conservation, physicochemical variation, residue mobility, and thermodynamic stability) performed at Invitae indicates that this missense variant is not expected to disrupt CC2D2A protein function. In summary, the available evidence is currently insufficient to determine the role of this variant in disease. Therefore, it has been classified as a Variant of Uncertain Significance.

NM_001378615.1(CC2D2A):c.119A>G (p.Lys40Arg)

Genes: CC2D2A (coiled-coil and C2 domain containing 2A; plus strand), FBXL5 (F-box and leucine rich repeat protein 5; minus strand). Cytogenetic location: 4p15.32.
Variant type: single nucleotide variant.
Coding change: c.119A>G on transcript NM_001378615.1 (MANE Select); coding-DNA position 119, A replaced by G.
Protein change: p.Lys40Arg; replaces lysine 40 with arginine.
Molecular consequence: missense variant.
Genome position (GRCh38, 1-based): chr4:15,478,802, A>G. VCF-style: chr4-15478802-A-G. GRCh37 (hg19) VCF-style: chr4-15480426-A-G.
Other names: c.119A>G, p.Lys40Arg (NM_001080522.2, NM_001164720.3, NM_020785.2); short protein forms K40R.
Identifiers: ClinVar variation 2085756 (VCV002085756.1), dbSNP rs780010340, ClinGen allele CA356407236.